The following is an entry in ClinVar:

NM_024577.4(SH3TC2):c.2027T>C (p.Leu676Ser)

Gene: SH3TC2 (SH3 domain and tetratricopeptide repeats 2; minus strand). Cytogenetic location: 5q32.
Variant type: single nucleotide variant.
Coding change: c.2027T>C on transcript NM_024577.4 (MANE Select); coding-DNA position 2027, T replaced by C.
Protein change: p.Leu676Ser; replaces leucine 676 with serine.
Molecular consequence: missense variant.
Genome position (GRCh38, 1-based): chr5:149,027,705, A>G on the plus strand (T>C on the coding strand, the complement: SH3TC2 is on the minus strand). VCF-style: chr5-149027705-A-G. GRCh37 (hg19) VCF-style: chr5-148407268-A-G.
Other names: short protein forms L676S.
Identifiers: ClinVar variation 1784674 (VCV001784674.6), dbSNP rs1754096447, ClinGen allele CA361667238.
Genomic context (GRCh38, chr5:149,027,705, plus strand): 5'-TGTTGCTGGACAGAGGCCACTGCAAGGTGTGGAAGATATTTCTTGTCATACAGAAAACTC[A>G]AAACACTGGCCACAGCCTCAGAGGCAGGAGGGTGTCCAGAGAGGAGCTGCAGGCGCTCGG-3'
Protein context (NP_078853.2, residues 666-686): PPASEAVASV[Leu676Ser]SFLYDKKYLP

ClinVar aggregate classification (germline): Uncertain significance. Review status: criteria provided, multiple submitters, no conflicts (2 of 4 stars). 2 submissions from 2 submitters: Uncertain significance (2). Last evaluated 2022-09-15.

Conditions:
Charcot-Marie-Tooth disease type 4. Also called: Charcot-Marie-Tooth disease, type IV; Charcot-Marie-Tooth, Type 4. Identifiers: Orphanet 64749, MedGen C4082197, MONDO:0018995.
Inborn genetic diseases. Identifiers: MedGen C0950123, MeSH D030342.

Allele frequency attached by ClinVar (database versions not stated): TOPMed below 0.00001.

Submissions (2):

Labcorp Genetics (formerly Invitae), Labcorp
Classification: Uncertain significance for Charcot-Marie-Tooth disease type 4. Last evaluated: 2022-09-15. Review status: criteria provided, single submitter. Criteria: Invitae Variant Classification Sherloc (09022015). Collection method: clinical testing. Allele origin: germline.
Comment: This sequence change replaces leucine, which is neutral and non-polar, with serine, which is neutral and polar, at codon 676 of the SH3TC2 protein (p.Leu676Ser). This variant is not present in population databases (gnomAD no frequency). This variant has not been reported in the literature in individuals affected with SH3TC2-related conditions. Algorithms developed to predict the effect of missense changes on protein structure and function (SIFT, PolyPhen-2, Align-GVGD) all suggest that this variant is likely to be disruptive. In summary, the available evidence is currently insufficient to determine the role of this variant in disease. Therefore, it has been classified as a Variant of Uncertain Significance.

Ambry Genetics
Classification: Uncertain significance for Inborn genetic diseases. Last evaluated: 2022-09-14. Review status: criteria provided, single submitter. Criteria: Ambry Variant Classification Scheme 2023. Collection method: clinical testing. Allele origin: germline.
Comment: The p.L676S variant (also known as c.2027T>C), located in coding exon 11 of the SH3TC2 gene, results from a T to C substitution at nucleotide position 2027. The leucine at codon 676 is replaced by serine, an amino acid with dissimilar properties. This amino acid position is conserved. In addition, this alteration is predicted to be deleterious by in silico analysis. Since supporting evidence is limited at this time, the clinical significance of this alteration remains unclear.